The following is an entry in ClinVar:

NM_001009944.3(PKD1):c.3145_3156del (p.Val1049_Ala1052del)

Gene: PKD1 (polycystin 1, transient receptor potential channel interacting; minus strand). Cytogenetic location: 16p13.3.
Variant type: Deletion.
Coding change: c.3145_3156del on transcript NM_001009944.3 (MANE Select); coding-DNA positions 3145 to 3156, 12 bases deleted (GTGGAGGTGGCC).
Protein change: p.Val1049_Ala1052del.
Molecular consequence: inframe deletion.
Genome position (GRCh38, 1-based): chr16:2,112,793-2,112,804, GGCCACCTCCAC deleted on the plus strand (GTGGAGGTGGCC on the coding strand, the reverse complement: PKD1 is on the minus strand); deleting any 12 consecutive bases within chr16:2,112,793-2,112,808 gives the same sequence; the c. name uses the placement nearest the transcript's 3' end. VCF-style (leftmost placement, unchanged base first): chr16-2112792-AGGCCACCTCCAC-A. GRCh37 (hg19) VCF-style: chr16-2162793-AGGCCACCTCCAC-A.
Other names: c.3145_3156del, p.Val1049_Ala1052del (NM_000296.4).
Identifiers: ClinVar variation 618316 (VCV000618316.8), dbSNP rs1567206560, ClinGen allele CA913191180.

ClinVar aggregate classification (germline): Likely pathogenic (1 of 4 stars; one submission).

Submission:

ARUP Laboratories, Molecular Genetics and Genomics, ARUP Laboratories
Classification: Likely pathogenic. Last evaluated: 2018-06-20. Review status: criteria provided, single submitter. Criteria: ARUP Molecular Germline Variant Investigation Process. Collection method: clinical testing. Allele origin: germline.
Comment: The PKD1 c.3145_3156del12; p.Val1049_Ala1052del variant, to our knowledge, is not described in the medical literature or in gene-specific database. It is also absent from general population databases (1000 Genomes Project, Exome Variant Server, and Genome Aggregation Database), indicating it is not a common polymorphism. This variant deletes 4 amino acid residues leaving the rest of the protein in-frame. Other in-frame deletions in this region (c.3137_3154del; p.Asp1046_Val1051del, c.3122_3124del; p.Ala1041del) have been described in individuals with autosomal dominant polycystic kidney disease and are considered pathogenic (Carrera 2016, Neumann 2013). Based on available information, this variant is considered likely pathogenic. References: Carrera P et al. Deciphering Variability of PKD1 and PKD2 in an Italian Cohort of 643 Patients with Autosomal Dominant Polycystic Kidney Disease (ADPKD). Sci Rep. 2016 Aug 8;6:30850. Neumann H et al. Epidemiology of autosomal-dominant polycystic kidney disease: an in-depth clinical study for south-western Germany. Nephrol Dial Transplant. 2013 Jun;28(6):1472-87.